The following is an entry in ClinVar:

NM_001035.3(RYR2):c.48+2T>C

Gene: RYR2 (ryanodine receptor 2; plus strand). Cytogenetic location: 1q43.
Variant type: single nucleotide variant.
Coding change: c.48+2T>C on transcript NM_001035.3 (MANE Select); the canonical splice donor site of the intron after coding-DNA position 48, T replaced by C.
Molecular consequence: splice donor variant.
Genome position (GRCh38, 1-based): chr1:237,042,571, T>C. VCF-style: chr1-237042571-T-C. GRCh37 (hg19) VCF-style: chr1-237205871-T-C.
Identifiers: ClinVar variation 3016754 (VCV003016754.3), dbSNP rs111305220, ClinGen allele CA345654237.

ClinVar aggregate classification (germline): Uncertain significance (1 of 4 stars; one submission).

Conditions:
Catecholaminergic polymorphic ventricular tachycardia 1. Also called: VENTRICULAR TACHYCARDIA, CATECHOLAMINERGIC POLYMORPHIC, 1, WITH OR WITHOUT ATRIAL DYSFUNCTION AND/OR DILATED CARDIOMYOPATHY; VENTRICULAR TACHYCARDIA, STRESS-INDUCED POLYMORPHIC 1; RYR2-Related Catecholaminergic Polymorphic Ventricular Tachycardia. Identifiers: Orphanet 3286, MedGen C1631597, MONDO:0011484, OMIM 604772.

Submission:

Labcorp Genetics (formerly Invitae), Labcorp
Classification: Uncertain significance for Catecholaminergic polymorphic ventricular tachycardia 1. Last evaluated: 2023-11-03. Review status: criteria provided, single submitter. Criteria: Invitae Variant Classification Sherloc (09022015). Collection method: clinical testing. Allele origin: germline.
Comment: This sequence change affects a donor splice site in intron 1 of the RYR2 gene. It is expected to disrupt RNA splicing. Variants that disrupt the donor or acceptor splice site typically lead to a loss of protein function (PMID: 16199547), however the current clinical and genetic evidence is not sufficient to establish whether loss-of-function variants in RYR2 cause disease. This variant is not present in population databases (gnomAD no frequency). This variant has not been reported in the literature in individuals affected with RYR2-related conditions. Algorithms developed to predict the effect of sequence changes on RNA splicing suggest that this variant may disrupt the consensus splice site. In summary, the available evidence is currently insufficient to determine the role of this variant in disease. Therefore, it has been classified as a Variant of Uncertain Significance.

Literature cited by the submitters: PubMed 16199547.